The following is an entry in ClinVar:

ClinVar aggregate classification (germline): Uncertain significance. Review status: criteria provided, multiple submitters, no conflicts (2 of 4 stars). 4 submissions from 4 submitters: Uncertain significance (3). 1 of the submissions does not count toward it. Last evaluated 2025-11-25.

Conditions:
Cardiovascular phenotype. Identifiers: MedGen CN230736.
Alstrom syndrome (ALMS). Identifiers: Orphanet 64, MedGen C0268425, MONDO:0008763, OMIM 203800.

Allele frequency attached by ClinVar (database versions not stated): gnomAD 0.00001; gnomAD exomes 0.00001 and 0.00002; ExAC 0.00002; TOPMed 0.00002; ESP Exome Variant Server 0.00008.
gnomAD v4.1: 15 of 1,613,898 alleles (0.00093%); highest among the groups gnomAD compares: Middle Eastern, 0.016%; no homozygotes.

Submissions (4):

Women's Health and Genetics/Laboratory Corporation of America, LabCorp
Classification: Uncertain significance. Last evaluated: 2025-11-25. Review status: criteria provided, single submitter. Criteria: LabCorp Variant Classification Summary - May 2015. Collection method: clinical testing. Allele origin: germline.

Labcorp Genetics (formerly Invitae), Labcorp
Classification: Uncertain significance for Alstrom syndrome. Last evaluated: 2022-09-27. Review status: criteria provided, single submitter. Criteria: Invitae Variant Classification Sherloc (09022015). Collection method: clinical testing. Allele origin: germline.
Comment: This sequence change replaces glutamic acid, which is acidic and polar, with lysine, which is basic and polar, at codon 833 of the ALMS1 protein (p.Glu833Lys). This variant is present in population databases (rs373979607, gnomAD 0.008%). This variant has not been reported in the literature in individuals affected with ALMS1-related conditions. ClinVar contains an entry for this variant (Variation ID: 553220). Experimental studies and prediction algorithms are not available or were not evaluated, and the functional significance of this variant is currently unknown. In summary, the available evidence is currently insufficient to determine the role of this variant in disease. Therefore, it has been classified as a Variant of Uncertain Significance.

Ambry Genetics
Classification: Uncertain significance for Cardiovascular phenotype. Last evaluated: 2019-11-06. Review status: criteria provided, single submitter. Criteria: Ambry Variant Classification Scheme 2023. Collection method: clinical testing. Allele origin: germline.
Comment: The p.E833K variant (also known as c.2497G>A), located in coding exon 8 of the ALMS1 gene, results from a G to A substitution at nucleotide position 2497. The glutamic acid at codon 833 is replaced by lysine, an amino acid with similar properties. This amino acid position is not well conserved in available vertebrate species, and lysine is the reference amino acid in other vertebrate species. In addition, this alteration is predicted to be tolerated by in silico analysis. Since supporting evidence is limited at this time, the clinical significance of this alteration remains unclear.

Counsyl
Classification: Uncertain significance for Alstrom syndrome. Last evaluated: 2017-08-08. Review status: no assertion criteria provided. Collection method: clinical testing. Allele origin: unknown. Not counted in ClinVar's aggregate classification.

NM_001378454.1(ALMS1):c.2494G>A (p.Glu832Lys)

Gene: ALMS1 (ALMS1 centrosome and basal body associated protein; plus strand). Cytogenetic location: 2p13.1.
Variant type: single nucleotide variant.
Coding change: c.2494G>A on transcript NM_001378454.1 (MANE Select); coding-DNA position 2494, G replaced by A.
Protein change: p.Glu832Lys; replaces glutamic acid 832 with lysine.
Molecular consequence: missense variant.
Genome position (GRCh38, 1-based): chr2:73,449,021, G>A. VCF-style: chr2-73449021-G-A. GRCh37 (hg19) VCF-style: chr2-73676148-G-A.
Other names: c.2497G>A, p.Glu833Lys (NM_015120.4); short protein forms E833K, E832K.
Identifiers: ClinVar variation 553220 (VCV000553220.8), dbSNP rs373979607, ClinGen allele CA1713364.
Genomic context (GRCh38, chr2:73,449,021, plus strand): 5'-TCACACAGAGAGAAGCTCCTTGTTTTCTACCAACAGGCCTTGCTGGACAGCCATCTACCC[G>A]AAGAGGCTCTGAAAGTTTCAGCTGTTTCTGGACCAGCTGACGGAAAGACTGGGACACCAG-3'
Protein context (NP_001365383.1, residues 822-842): QQALLDSHLP[Glu832Lys]EALKVSAVSG